The following is an entry in ClinVar:

ClinVar aggregate classification (germline): Pathogenic (1 of 4 stars; one submission).

Submission:

Labcorp Genetics (formerly Invitae), Labcorp
Classification: Pathogenic. Last evaluated: 2024-04-16. Review status: criteria provided, single submitter. Criteria: Invitae Variant Classification Sherloc (09022015). Collection method: clinical testing. Allele origin: germline.
Comment: This sequence change creates a premature translational stop signal (p.Thr125Asnfs*8) in the RINT1 gene. It is expected to result in an absent or disrupted protein product. Loss-of-function variants in RINT1 are known to be pathogenic (PMID: 31204009). This variant is not present in population databases (gnomAD no frequency). This variant has not been reported in the literature in individuals affected with RINT1-related conditions. ClinVar contains an entry for this variant (Variation ID: 1054026). For these reasons, this variant has been classified as Pathogenic.

Literature cited by the submitters: PubMed 31204009.

NM_021930.6(RINT1):c.373dup (p.Thr125fs)

Gene: RINT1 (RAD50 interactor 1; plus strand). Cytogenetic location: 7q22.3.
Variant type: Duplication.
Coding change: c.373dup on transcript NM_021930.6 (MANE Select); coding-DNA position 373, one base duplicated (A; older notation c.373dupA).
Protein change: p.Thr125fs; shifts the reading frame from threonine 125.
Molecular consequence: frameshift variant. On other transcripts: 5 prime UTR variant (3), non-coding transcript variant (1).
Genome position (GRCh38, 1-based): chr7:105,542,507, A duplicated; the last of 3 consecutive A bases (chr7:105,542,505-105,542,507); duplicating any one gives the same sequence. VCF-style (leftmost placement, unchanged base first): chr7-105542504-G-GA. GRCh37 (hg19) VCF-style: chr7-105182951-G-GA.
Other names: c.139dup, p.Thr47fs (NM_001346599.2); c.-647dup (NM_001346600.2); c.-550dup (NM_001346601.2); c.-170dup (NM_001346603.2); short protein forms T125fs, T47fs.
Identifiers: ClinVar variation 1054026 (VCV001054026.7), dbSNP rs1293925787, ClinGen allele CA457201711.